The following is an entry in ClinVar:

ClinVar aggregate classification (germline): Likely benign. Review status: criteria provided, multiple submitters, no conflicts (2 of 4 stars). 3 submissions from 3 submitters: Likely benign (2). 1 of the submissions does not count toward it. Last evaluated 2025-01-01.

Conditions:
ABCA2-related disorder. Also called: ABCA2-related condition.

Allele frequency attached by ClinVar (database versions not stated): TOPMed 0.00006; gnomAD 0.00026; gnomAD exomes 0.00045; ExAC 0.00097; 1000 Genomes Project 30x 0.00109; 1000 Genomes Project 0.00120.
gnomAD v4.1: 699 of 1,612,684 alleles (0.043%); highest among the groups gnomAD compares: South Asian, 0.61%; 5 homozygotes.

Submissions (3):

CeGaT Center for Human Genetics Tuebingen
Classification: Likely benign. Last evaluated: 2025-01-01. Review status: criteria provided, single submitter. Criteria: CeGaT Center For Human Genetics Tuebingen Variant Classification Criteria Version 2. Collection method: clinical testing. Allele origin: germline. Affected: yes. Observed: 1 variant allele.
Comment: ABCA2: BS2

Blueprint Genetics
Classification: Likely benign. Last evaluated: 2024-09-24. Review status: criteria provided, single submitter. Criteria: ACMG Guidelines, 2015. Collection method: clinical testing. Allele origin: germline.

PreventionGenetics, part of Exact Sciences
Classification: Likely benign for ABCA2-related condition. Last evaluated: 2020-02-17. Review status: no assertion criteria provided. Collection method: clinical testing. Allele origin: germline. Not counted in ClinVar's aggregate classification.
Comment: This variant is classified as likely benign based on ACMG/AMP sequence variant interpretation guidelines (Richards et al. 2015 PMID: 25741868, with internal and published modifications).

NM_001606.5(ABCA2):c.1412G>A (p.Arg471His)

Gene: ABCA2 (ATP binding cassette subfamily A member 2; minus strand). Cytogenetic location: 9q34.3.
Variant type: single nucleotide variant.
Coding change: c.1412G>A on transcript NM_001606.5 (MANE Select); coding-DNA position 1412, G replaced by A.
Protein change: p.Arg471His; replaces arginine 471 with histidine.
Molecular consequence: missense variant.
Genome position (GRCh38, 1-based): chr9:137,020,349, C>T on the plus strand (G>A on the coding strand, the complement: ABCA2 is on the minus strand). VCF-style: chr9-137020349-C-T. GRCh37 (hg19) VCF-style: chr9-139914801-C-T.
Other names: c.1409G>A, p.Arg470His (NM_001411042.1); c.1502G>A, p.Arg501His (NM_212533.3); short protein forms R470H, R471H, R501H.
Identifiers: ClinVar variation 3055499 (VCV003055499.16), dbSNP rs200568358, ClinGen allele CA5355500.